The following is an entry in ClinVar:

NM_003331.5(TYK2):c.2458C>A (p.Pro820Thr)

Gene: TYK2 (tyrosine kinase 2; minus strand). Cytogenetic location: 19p13.2.
Variant type: single nucleotide variant.
Coding change: c.2458C>A on transcript NM_003331.5 (MANE Select); coding-DNA position 2458, C replaced by A.
Protein change: p.Pro820Thr; replaces proline 820 with threonine.
Molecular consequence: missense variant.
Genome position (GRCh38, 1-based): chr19:10,357,772, G>T on the plus strand (C>A on the coding strand, the complement: TYK2 is on the minus strand). VCF-style: chr19-10357772-G-T. GRCh37 (hg19) VCF-style: chr19-10468448-G-T.
Other names: c.2458C>A, p.Pro820Thr (NM_001385197.1, NM_001385198.1, NM_001385200.1 and 2 more transcripts); c.2272C>A, p.Pro758Thr (NM_001385199.1); c.2260C>A, p.Pro754Thr (NM_001385201.1); c.2374C>A, p.Pro792Thr (NM_001385202.1); c.2368C>A, p.Pro790Thr (NM_001385205.1); c.2332C>A, p.Pro778Thr (NM_001385206.1); c.2440C>A, p.Pro814Thr (NM_001385207.1); short protein forms P754T, P758T, P778T, P792T, P814T, P790T, P820T.
Identifiers: ClinVar variation 1411851 (VCV001411851.6), dbSNP rs1220172517, ClinGen allele CA403995088.

ClinVar aggregate classification (germline): Uncertain significance (1 of 4 stars; one submission).

Conditions:
Immunodeficiency 35 (IMD35). Also called: TYK2 DEFICIENCY; Susceptibility to infection due to TYK2 deficiency; HIES WITH ATYPICAL MYCOBACTERIOSIS, AUTOSOMAL RECESSIVE; HYPER-IgE SYNDROME WITH ATYPICAL MYCOBACTERIOSIS, AUTOSOMAL RECESSIVE. Identifiers: Orphanet 331226, MedGen C1969086, MONDO:0012682, OMIM 611521.

Submission:

Labcorp Genetics (formerly Invitae), Labcorp
Classification: Uncertain significance for Immunodeficiency 35. Last evaluated: 2022-01-15. Review status: criteria provided, single submitter. Criteria: Invitae Variant Classification Sherloc (09022015). Collection method: clinical testing. Allele origin: germline.
Comment: This variant is not present in population databases (gnomAD no frequency). This sequence change replaces proline with threonine at codon 820 of the TYK2 protein (p.Pro820Thr). The proline residue is highly conserved and there is a small physicochemical difference between proline and threonine. This variant has not been reported in the literature in individuals affected with TYK2-related conditions. Algorithms developed to predict the effect of missense changes on protein structure and function are either unavailable or do not agree on the potential impact of this missense change (SIFT: "Not Available"; PolyPhen-2: "Possibly Damaging"; Align-GVGD: "Not Available"). In summary, the available evidence is currently insufficient to determine the role of this variant in disease. Therefore, it has been classified as a Variant of Uncertain Significance.